The following is an entry in ClinVar:

ClinVar aggregate classification (germline): Conflicting classifications of pathogenicity. Review status: criteria provided, conflicting classifications (1 of 4 stars). 3 submissions from 3 submitters: Uncertain significance (2); Likely benign (1). Last evaluated 2024-09-16.

Conditions:
Cardiovascular phenotype. Identifiers: MedGen CN230736.
Episodic pain syndrome, familial, 2 (FEPS2). Identifiers: Orphanet 306577, MedGen C3809893, MONDO:0014246, OMIM 615551.
Brugada syndrome. Also called: Sudden unexpected nocturnal death syndrome; Sudden unexplained nocturnal death syndrome; Sudden Unexplained Death Syndrome; Sudden Unexplained Nocturnal Death Syndrome (SUNDS). Identifiers: Orphanet 130, MedGen C1142166, MONDO:0015263.

Allele frequency attached by ClinVar (database versions not stated): gnomAD 0.00001; TOPMed 0.00002; 1000 Genomes Project 30x 0.00016; 1000 Genomes Project 0.00020.

Submissions (3):

Labcorp Genetics (formerly Invitae), Labcorp
Classification: Uncertain significance for Brugada syndrome. Last evaluated: 2024-09-16. Review status: criteria provided, single submitter. Criteria: Invitae Variant Classification Sherloc (09022015). Collection method: clinical testing. Allele origin: germline.
Comment: This sequence change replaces arginine, which is basic and polar, with glutamine, which is neutral and polar, at codon 1863 of the SCN10A protein (p.Arg1863Gln). This variant is present in population databases (rs191869263, gnomAD 0.03%). This missense change has been observed in individual(s) with Brugada syndrome (PMID: 25842276). ClinVar contains an entry for this variant (Variation ID: 1380283). Invitae Evidence Modeling of protein sequence and biophysical properties (such as structural, functional, and spatial information, amino acid conservation, physicochemical variation, residue mobility, and thermodynamic stability) has been performed for this missense variant. However, the output from this modeling did not meet the statistical confidence thresholds required to predict the impact of this variant on SCN10A protein function. Experimental studies have shown that this missense change affects SCN10A function (PMID: 32948286). In summary, the available evidence is currently insufficient to determine the role of this variant in disease. Therefore, it has been classified as a Variant of Uncertain Significance.

Ambry Genetics
Classification: Likely benign for Cardiovascular phenotype. Last evaluated: 2023-12-12. Review status: criteria provided, single submitter. Criteria: Ambry Variant Classification Scheme 2023. Collection method: clinical testing. Allele origin: germline.

Fulgent Genetics
Classification: Uncertain significance for Episodic pain syndrome, familial, 2. Last evaluated: 2021-09-08. Review status: criteria provided, single submitter. Criteria: ACMG Guidelines, 2015. Collection method: clinical testing. Allele origin: unknown.

Literature cited by the submitters: PubMed 25842276 (cited by Labcorp Genetics (formerly Invitae), Labcorp and Ambry Genetics); PubMed 32948286 (cited by Labcorp Genetics (formerly Invitae), Labcorp); PubMed 30821013 (cited by Ambry Genetics).

NM_006514.4(SCN10A):c.5588G>A (p.Arg1863Gln)

Gene: SCN10A (sodium voltage-gated channel alpha subunit 10; minus strand). Cytogenetic location: 3p22.2.
Variant type: single nucleotide variant.
Coding change: c.5588G>A on transcript NM_006514.4 (MANE Select); coding-DNA position 5588, G replaced by A.
Protein change: p.Arg1863Gln; replaces arginine 1863 with glutamine.
Molecular consequence: missense variant.
Genome position (GRCh38, 1-based): chr3:38,697,632, C>T on the plus strand (G>A on the coding strand, the complement: SCN10A is on the minus strand). VCF-style: chr3-38697632-C-T. GRCh37 (hg19) VCF-style: chr3-38739123-C-T.
Other names: c.5585G>A, p.Arg1862Gln (NM_001293306.2); c.5294G>A, p.Arg1765Gln (NM_001293307.2); short protein forms R1765Q, R1862Q, R1863Q.
Identifiers: ClinVar variation 1380283 (VCV001380283.9), dbSNP rs191869263, ClinGen allele CA2319646.
Genomic context (GRCh38, chr3:38,697,632, plus strand): 5'-TCAGCTCTGGGCACACATGGGGTGTTAGAGAGTGCCATGGAGCGGTGCAGCACATAGCTC[C>T]GATAGGCCTTTTGAATGACAGTGGCTGAAATGTCTTCTTGCTTCCATCGGAGAGTGGTTG-3'
Protein context (NP_006505.4, residues 1853-1873): ISATVIQKAY[Arg1863Gln]SYVLHRSMAL